The following is an entry in ClinVar:

NM_001365276.2(TNXB):c.2243A>G (p.Glu748Gly)

Gene: TNXB (tenascin XB; minus strand). Cytogenetic location: 6p21.33.
Variant type: single nucleotide variant.
Coding change: c.2243A>G on transcript NM_001365276.2 (MANE Select); coding-DNA position 2243, A replaced by G.
Protein change: p.Glu748Gly; replaces glutamic acid 748 with glycine.
Molecular consequence: missense variant.
Genome position (GRCh38, 1-based): chr6:32,095,191, T>C on the plus strand (A>G on the coding strand, the complement: TNXB is on the minus strand). VCF-style: chr6-32095191-T-C. GRCh37 (hg19) VCF-style: chr6-32062968-T-C.
Other names: c.2243A>G, p.Glu748Gly (NM_001428335.1, NM_019105.8); short protein forms E748G.
Identifiers: ClinVar variation 3899420 (VCV003899420.1).

ClinVar aggregate classification (germline): Uncertain significance (1 of 4 stars; one submission).

gnomAD v4.1: 1 of 1,549,056 alleles (0.000065%); highest among the groups gnomAD compares: Non-Finnish European, 0.000087%; no homozygotes.

Submission:

GeneDx
Classification: Uncertain significance. Last evaluated: 2024-11-19. Review status: criteria provided, single submitter. Criteria: GeneDx Variant Classification Process June 2021. Collection method: clinical testing. Allele origin: germline. Affected: yes.
Comment: Not observed at significant frequency in large population cohorts (gnomAD); In silico analysis supports that this missense variant has a deleterious effect on protein structure/function; Has not been previously published as pathogenic or benign to our knowledge